The following is an entry in ClinVar:

NM_001252024.2(TRPM1):c.2952G>A (p.Met984Ile)

Genes: TRPM1 (transient receptor potential cation channel subfamily M member 1; minus strand), TRPM1-AS1 (TRPM1 antisense RNA 1; plus strand). Cytogenetic location: 15q13.3.
Variant type: single nucleotide variant.
Coding change: c.2952G>A on transcript NM_001252024.2 (MANE Select); coding-DNA position 2952, G replaced by A.
Protein change: p.Met984Ile; replaces methionine 984 with isoleucine.
Molecular consequence: missense variant.
Genome position (GRCh38, 1-based): chr15:31,032,689, C>T on the plus strand (G>A on the coding strand, the complement: TRPM1 is on the minus strand). VCF-style: chr15-31032689-C-T. GRCh37 (hg19) VCF-style: chr15-31324892-C-T.
Other names: c.3003G>A, p.Met1001Ile (NM_001252020.2); c.2886G>A, p.Met962Ile (NM_002420.6); short protein forms M1001I, M984I, M962I.
Identifiers: ClinVar variation 2137642 (VCV002137642.6), dbSNP rs1343418411, ClinGen allele CA391545342.

ClinVar aggregate classification (germline): Conflicting classifications of pathogenicity. Review status: criteria provided, conflicting classifications (1 of 4 stars). 3 submissions from 3 submitters: Likely pathogenic (2); Uncertain significance (1). Last evaluated 2022-05-27.

Conditions:
Retinal dystrophy. Also called: Inherited retinal dystrophy. Identifiers: Orphanet 71862, MedGen C0854723, MeSH D058499, MONDO:0019118, HP:0000556.
TRPM1-related disorder. Also called: TRPM1-related condition.

Allele frequency attached by ClinVar (database versions not stated): gnomAD exomes below 0.00001; gnomAD 0.00001.
gnomAD v4.1: 6 of 1,613,964 alleles (0.00037%); highest among the groups gnomAD compares: South Asian, 0.0044%; no homozygotes.

Submissions (3):

Labcorp Genetics (formerly Invitae), Labcorp
Classification: Uncertain significance. Last evaluated: 2022-05-27. Review status: criteria provided, single submitter. Criteria: Invitae Variant Classification Sherloc (09022015). Collection method: clinical testing. Allele origin: germline.
Comment: This variant is present in population databases (no rsID available, gnomAD 0.003%). This sequence change replaces methionine, which is neutral and non-polar, with isoleucine, which is neutral and non-polar, at codon 962 of the TRPM1 protein (p.Met962Ile). This variant also falls at the last nucleotide of exon 21, which is part of the consensus splice site for this exon. This variant has not been reported in the literature in individuals affected with TRPM1-related conditions. In summary, the available evidence is currently insufficient to determine the role of this variant in disease. Therefore, it has been classified as a Variant of Uncertain Significance. Variants that disrupt the consensus splice site are a relatively common cause of aberrant splicing (PMID: 17576681, 9536098). Algorithms developed to predict the effect of sequence changes on RNA splicing suggest that this variant may disrupt the consensus splice site. Algorithms developed to predict the effect of missense changes on protein structure and function are either unavailable or do not agree on the potential impact of this missense change (SIFT: "Deleterious"; PolyPhen-2: "Probably Damaging"; Align-GVGD: "Class C0").

Blueprint Genetics
Classification: Likely pathogenic for TRPM1-related disorders. Last evaluated: 2021-12-14. Review status: criteria provided, single submitter. Criteria: ACMG Guidelines, 2015. Collection method: clinical testing. Allele origin: germline. Affected: yes. Observed: 2 variant alleles.

Institute of Human Genetics, Univ. Regensburg, Univ. Regensburg
Classification: Likely pathogenic for Retinal dystrophy. Last evaluated: 2019-01-01. Review status: criteria provided, single submitter. Criteria: ACMG Guidelines, 2015. Collection method: clinical testing. Allele origin: germline. Affected: yes.

Literature cited by the submitters: PubMed 17576681 (cited by Labcorp Genetics (formerly Invitae), Labcorp); PubMed 9536098 (cited by Labcorp Genetics (formerly Invitae), Labcorp); PubMed 26633542 (cited by Institute of Human Genetics, Univ. Regensburg, Univ. Regensburg).